The following is an entry in ClinVar:

ClinVar aggregate classification (germline): Benign. Review status: criteria provided, multiple submitters, no conflicts (2 of 4 stars). 3 submissions from 3 submitters: Benign (3). Last evaluated 2021-05-27.

Conditions:
White sponge nevus 1. Also called: LEUKOKERATOSIS, HEREDITARY MUCOSAL. Identifiers: MedGen C4011926, MONDO:0008676, OMIM 193900.

Allele frequency attached by ClinVar (database versions not stated): ESP Exome Variant Server 0.82162; TOPMed 0.82292; 1000 Genomes Project 30x 0.83713; 1000 Genomes Project 0.83786; gnomAD 0.83879.

Submissions (3):

GeneDx
Classification: Benign. Last evaluated: 2021-05-27. Review status: criteria provided, single submitter. Criteria: GeneDx Variant Classification Process June 2021. Collection method: clinical testing. Allele origin: germline. Affected: yes.

Illumina Laboratory Services, Illumina
Classification: Benign for White sponge nevus 1. Last evaluated: 2018-01-12. Review status: criteria provided, single submitter. Criteria: ICSL Variant Classification Criteria 13 December 2019. Collection method: clinical testing. Allele origin: germline.
Comment: This variant was observed in the ICSL laboratory as part of a predisposition screen in an ostensibly healthy population. It had not been previously curated by ICSL or reported in the Human Gene Mutation Database (HGMD: prior to June 1st, 2018), and was therefore a candidate for classification through an automated scoring system. Utilizing variant allele frequency, disease prevalence and penetrance estimates, and inheritance mode, an automated score was calculated to assess if this variant is too frequent to cause the disease. Based on the score and internal cut-off values, a variant classified as benign is not then subjected to further curation. The score for this variant resulted in a classification of benign for this disease.

Breakthrough Genomics
Classification: Benign. Review status: criteria provided, single submitter. Criteria: ACMG Guidelines, 2015. Collection method: not provided. Allele origin: germline. Inheritance: Autosomal dominant inheritance. Affected: yes.

NM_002272.4(KRT4):c.1346+15A>G

Gene: KRT4 (keratin 4; minus strand). Cytogenetic location: 12q13.13.
Variant type: single nucleotide variant.
Coding change: c.1346+15A>G on transcript NM_002272.4 (MANE Select); 15 bases into the intron after coding-DNA position 1346, A replaced by G.
Molecular consequence: intron variant.
Genome position (GRCh38, 1-based): chr12:52,807,629, T>C on the plus strand (A>G on the coding strand, the complement: KRT4 is on the minus strand). VCF-style: chr12-52807629-T-C. GRCh37 (hg19) VCF-style: chr12-53201413-T-C.
Identifiers: ClinVar variation 309671 (VCV000309671.8), dbSNP rs931479, ClinGen allele CA6588431.